The following is an entry in ClinVar:

NM_000138.5(FBN1):c.8455AAG[2] (p.Lys2821del)

Gene: FBN1 (fibrillin 1; minus strand). Cytogenetic location: 15q21.1.
Variant type: Microsatellite.
Coding change: c.8455AAG[2] on transcript NM_000138.5 (MANE Select); two copies in a row of the 3-base unit AAG starting at c.8455; the reference has three copies in a row; one copy, 3 bases deleted.
Protein change: p.Lys2821del; deletes lysine 2821.
Molecular consequence: inframe deletion.
Genome position (GRCh38, 1-based): chr15:48,411,143-48,411,145, CTT deleted on the plus strand (AAG on the coding strand, the reverse complement: FBN1 is on the minus strand); deleting any 3 consecutive bases within chr15:48,411,143-48,411,151 gives the same sequence; the position shown is the placement nearest the transcript's 3' end. VCF-style (leftmost placement, unchanged base first): chr15-48411142-GCTT-G. GRCh37 (hg19) VCF-style: chr15-48703339-GCTT-G.
Other names: c.8455AAG[2], p.Lys2821del (NM_001406716.1); short protein forms K2821del.
Identifiers: ClinVar variation 3761884 (VCV003761884.2).

ClinVar aggregate classification (germline): Uncertain significance (1 of 4 stars; one submission).

Conditions:
Marfan syndrome (MFS). Also called: MARFAN SYNDROME, TYPE I; Marfan syndrome type 1; Marfan's syndrome; Marfan syndrome, classic; FBN1-Related Marfan Syndrome. Identifiers: Orphanet 284963, Orphanet 558, MedGen C0024796, MONDO:0007947, OMIM 154700.
Familial thoracic aortic aneurysm and aortic dissection (TAAD). Also called: Thoracic aortic aneurysms and dissections. Identifiers: Orphanet 91387, MedGen C4707243, MONDO:0019625.

Submission:

Labcorp Genetics (formerly Invitae), Labcorp
Classification: Uncertain significance for Marfan syndrome; Familial thoracic aortic aneurysm and aortic dissection. Last evaluated: 2024-12-10. Review status: criteria provided, single submitter. Criteria: Invitae Variant Classification Sherloc (09022015). Collection method: clinical testing. Allele origin: germline.
Comment: This variant, c.8461_8463del, results in the deletion of 1 amino acid(s) of the FBN1 protein (p.Lys2821del), but otherwise preserves the integrity of the reading frame. This variant is present in population databases (rs752325626, gnomAD 0.006%). This variant has not been reported in the literature in individuals affected with FBN1-related conditions. Experimental studies and prediction algorithms are not available or were not evaluated, and the functional significance of this variant is currently unknown. In summary, the available evidence is currently insufficient to determine the role of this variant in disease. Therefore, it has been classified as a Variant of Uncertain Significance.